The following is an entry in ClinVar:

NM_001854.4(COL11A1):c.4070G>A (p.Gly1357Asp)

Gene: COL11A1 (collagen type XI alpha 1 chain; minus strand). Cytogenetic location: 1p21.1.
Variant type: single nucleotide variant.
Coding change: c.4070G>A on transcript NM_001854.4 (MANE Select); coding-DNA position 4070, G replaced by A.
Protein change: p.Gly1357Asp; replaces glycine 1357 with aspartic acid.
Molecular consequence: missense variant. On other transcripts: non-coding transcript variant (1).
Genome position (GRCh38, 1-based): chr1:102,912,175, C>T on the plus strand (G>A on the coding strand, the complement: COL11A1 is on the minus strand). VCF-style: chr1-102912175-C-T. GRCh37 (hg19) VCF-style: chr1-103377731-C-T.
Other names: c.3722G>A, p.Gly1241Asp (NM_001168249.1, NM_080630.4); c.3953G>A, p.Gly1318Asp (NM_001190709.2); c.4106G>A, p.Gly1369Asp (NM_080629.3); c.4070G>A (NM_001854.3); short protein forms G1318D, G1357D, G1369D, G1241D.
Identifiers: ClinVar variation 2696339 (VCV002696339.4), dbSNP rs2524455111, ClinGen allele CA341160180.

ClinVar aggregate classification (germline): Conflicting classifications of pathogenicity. Review status: criteria provided, conflicting classifications (1 of 4 stars). 2 submissions from 2 submitters: Likely pathogenic (1); Uncertain significance (1). Last evaluated 2025-05-13.

Submissions (2):

GeneDx
Classification: Likely pathogenic. Last evaluated: 2025-05-13. Review status: criteria provided, single submitter. Criteria: GeneDx Variant Classification Process June 2021. Collection method: clinical testing. Allele origin: germline. Affected: yes.
Comment: Not observed at significant frequency in large population cohorts (gnomAD); In silico analysis supports that this missense variant has a deleterious effect on protein structure/function; Has not been previously published as pathogenic or benign to our knowledge; This variant is associated with the following publications: (PMID: 25240749)

Labcorp Genetics (formerly Invitae), Labcorp
Classification: Uncertain significance. Last evaluated: 2023-11-16. Review status: criteria provided, single submitter. Criteria: Invitae Variant Classification Sherloc (09022015). Collection method: clinical testing. Allele origin: germline.
Comment: This sequence change replaces glycine, which is neutral and non-polar, with aspartic acid, which is acidic and polar, at codon 1357 of the COL11A1 protein (p.Gly1357Asp). This variant is not present in population databases (gnomAD no frequency). This variant has not been reported in the literature in individuals affected with COL11A1-related conditions. Advanced modeling of protein sequence and biophysical properties (such as structural, functional, and spatial information, amino acid conservation, physicochemical variation, residue mobility, and thermodynamic stability) has been performed at Invitae for this missense variant, however the output from this modeling did not meet the statistical confidence thresholds required to predict the impact of this variant on COL11A1 protein function. In summary, the available evidence is currently insufficient to determine the role of this variant in disease. Therefore, it has been classified as a Variant of Uncertain Significance.